The following is an entry in ClinVar:

ClinVar aggregate classification (germline): Likely pathogenic (1 of 4 stars; one submission).

Conditions:
Cortical dysplasia, complex, with other brain malformations 11 (CDCBM11). Identifiers: MedGen C5774270, MONDO:0859332, OMIM 620156.

Submission:

Juno Genomics, Hangzhou Juno Genomics, Inc
Classification: Likely pathogenic for Cortical dysplasia, complex, with other brain malformations 11. Review status: criteria provided, single submitter. Criteria: ACMG Guidelines, 2015. Collection method: clinical testing. Allele origin: germline.
Comment: Null variant in a gene where loss of function (LOF) is a known mechanism of disease.;Absent from controls (or at extremely low frequency if recessive) in Genome Aggregation Database.

NM_015656.2(KIF26A):c.3559C>T (p.Arg1187Ter)

Gene: KIF26A (kinesin family member 26A; plus strand). Cytogenetic location: 14q32.33.
Variant type: single nucleotide variant.
Coding change: c.3559C>T on transcript NM_015656.2 (MANE Select); coding-DNA position 3559, C replaced by T.
Protein change: p.Arg1187Ter; replaces arginine 1187 with a stop codon.
Molecular consequence: nonsense.
Genome position (GRCh38, 1-based): chr14:104,176,347, C>T. VCF-style: chr14-104176347-C-T. GRCh37 (hg19) VCF-style: chr14-104642684-C-T.
Other names: short protein forms R1187*.
Identifiers: ClinVar variation 5005286 (VCV005005286.2).